The following is an entry in ClinVar:

NM_003743.5(NCOA1):c.906T>C (p.Pro302=)

Gene: NCOA1 (nuclear receptor coactivator 1; plus strand). Cytogenetic location: 2p23.3.
Variant type: single nucleotide variant.
Coding change: c.906T>C on transcript NM_003743.5 (MANE Select); coding-DNA position 906, T replaced by C.
Protein change: p.Pro302=; no amino-acid change (proline 302 retained).
Molecular consequence: synonymous variant.
Genome position (GRCh38, 1-based): chr2:24,697,755, T>C. VCF-style: chr2-24697755-T-C. GRCh37 (hg19) VCF-style: chr2-24920624-T-C.
Other names: c.906T>C, p.Pro302= (NM_001362950.1, NM_001362952.1, NM_001362954.1 and 3 more transcripts).
Identifiers: ClinVar variation 4995352 (VCV004995352.1).
Genomic context (GRCh38, chr2:24,697,755, plus strand): 5'-TGCTGGCAGAACTGGTTGGGAAGATTTAGTGAGGAAGTGCATTTATGCTTTTTTCCAACC[T>C]CAGGGCAGAGAACCATCTTATGCCAGACAGCTGTTCCAAGAAGGTAAAATTTTCTCTCTC-3'
Protein context (NP_003734.3, residues 292-312): VRKCIYAFFQ[Pro302=]QGREPSYARQ

ClinVar aggregate classification (germline): Likely benign (1 of 4 stars; one submission).

Conditions:
NCOA1-related disorder. Also called: NCOA1-related condition.

Submission:

PreventionGenetics, part of Exact Sciences
Classification: Likely benign for NCOA1-related condition. Last evaluated: 2026-08-25. Review status: criteria provided, single submitter. Criteria: ACMG Guidelines, 2015. Collection method: clinical testing. Allele origin: germline.
Comment: This variant is classified as likely benign based on ACMG/AMP sequence variant interpretation guidelines (Richards et al. 2015 PMID: 25741868, with internal and published modifications).